The following is an entry in ClinVar:

ClinVar aggregate classification (germline): Uncertain significance. Review status: criteria provided, multiple submitters, no conflicts (2 of 4 stars). 4 submissions from 4 submitters: Uncertain significance (4). Last evaluated 2024-10-24.

Conditions:
Donnai-Barrow syndrome. Also called: DBS/FOAR SYNDROME; FACIOOCULOACOUSTICORENAL SYNDROME. Identifiers: Orphanet 2143, MedGen C1857277, MONDO:0009104, OMIM 222448.

Allele frequency attached by ClinVar (database versions not stated): ExAC 0.00004; gnomAD exomes 0.00005 and 0.00023; gnomAD 0.00007 and 0.00008; TOPMed 0.00009.
gnomAD v4.1: 345 of 1,614,034 alleles (0.021%); highest among the groups gnomAD compares: Non-Finnish European, 0.028%; no homozygotes.

Submissions (4):

Blueprint Genetics
Classification: Uncertain significance. Last evaluated: 2024-10-24. Review status: criteria provided, single submitter. Criteria: ACMG Guidelines, 2015. Collection method: clinical testing. Allele origin: germline.

Fulgent Genetics
Classification: Uncertain significance for Donnai-Barrow syndrome. Last evaluated: 2024-05-22. Review status: criteria provided, single submitter. Criteria: ACMG Guidelines, 2015. Collection method: clinical testing. Allele origin: germline.

Labcorp Genetics (formerly Invitae), Labcorp
Classification: Uncertain significance. Last evaluated: 2022-07-05. Review status: criteria provided, single submitter. Criteria: Invitae Variant Classification Sherloc (09022015). Collection method: clinical testing. Allele origin: germline.
Comment: This sequence change replaces glycine, which is neutral and non-polar, with aspartic acid, which is acidic and polar, at codon 2625 of the LRP2 protein (p.Gly2625Asp). This variant is present in population databases (rs745794041, gnomAD 0.01%). This variant has not been reported in the literature in individuals affected with LRP2-related conditions. ClinVar contains an entry for this variant (Variation ID: 445880). Advanced modeling of protein sequence and biophysical properties (such as structural, functional, and spatial information, amino acid conservation, physicochemical variation, residue mobility, and thermodynamic stability) performed at Invitae indicates that this missense variant is not expected to disrupt LRP2 protein function. In summary, the available evidence is currently insufficient to determine the role of this variant in disease. Therefore, it has been classified as a Variant of Uncertain Significance.

Center for Pediatric Genomic Medicine, Children's Mercy Hospital and Clinics
Classification: Uncertain significance. Last evaluated: 2017-06-15. Review status: criteria provided, single submitter. Criteria: ACMG Guidelines, 2015. Collection method: clinical testing. Allele origin: germline.

NM_004525.3(LRP2):c.7874G>A (p.Gly2625Asp)

Gene: LRP2 (LDL receptor related protein 2; minus strand). Cytogenetic location: 2q31.1.
Variant type: single nucleotide variant.
Coding change: c.7874G>A on transcript NM_004525.3 (MANE Select); coding-DNA position 7874, G replaced by A.
Protein change: p.Gly2625Asp; replaces glycine 2625 with aspartic acid.
Molecular consequence: missense variant.
Genome position (GRCh38, 1-based): chr2:169,204,113, C>T on the plus strand (G>A on the coding strand, the complement: LRP2 is on the minus strand). VCF-style: chr2-169204113-C-T. GRCh37 (hg19) VCF-style: chr2-170060623-C-T.
Other names: short protein forms G2625D.
Identifiers: ClinVar variation 445880 (VCV000445880.7), dbSNP rs745794041, ClinGen allele CA1953987.